The following is an entry in ClinVar:

ClinVar aggregate classification (germline): Pathogenic. Review status: criteria provided, multiple submitters, no conflicts (2 of 4 stars). 2 submissions from 2 submitters: Pathogenic (2). Last evaluated 2026-02-13.

Conditions:
Severe combined immunodeficiency due to IKK2 deficiency. Also called: Immunodeficiency 15; IMMUNODEFICIENCY 15B. Identifiers: Orphanet 397787, MedGen C4747743, MONDO:0014267, OMIM 615592.

Submissions (2):

GeneDx
Classification: Pathogenic. Last evaluated: 2026-02-13. Review status: criteria provided, single submitter. Criteria: GeneDx Variant Classification Process June 2021. Collection method: clinical testing. Allele origin: germline.
Comment: Nonsense variant predicted to result in protein truncation or nonsense mediated decay in a gene for which loss of function is a known mechanism of disease; Not observed at significant frequency in large population cohorts (gnomAD); This variant is associated with the following publications: (PMID: 40124362)

Labcorp Genetics (formerly Invitae), Labcorp
Classification: Pathogenic for Severe combined immunodeficiency due to IKK2 deficiency. Last evaluated: 2024-07-22. Review status: criteria provided, single submitter. Criteria: Invitae Variant Classification Sherloc (09022015). Collection method: clinical testing. Allele origin: germline.
Comment: This sequence change creates a premature translational stop signal (p.Glu569*) in the IKBKB gene. It is expected to result in an absent or disrupted protein product. Loss-of-function variants in IKBKB are known to be pathogenic (PMID: 24369075, 24679846). This variant is not present in population databases (gnomAD no frequency). This variant has not been reported in the literature in individuals affected with IKBKB-related conditions. ClinVar contains an entry for this variant (Variation ID: 1433844). Algorithms developed to predict the effect of sequence changes on RNA splicing suggest that this variant may disrupt the consensus splice site. For these reasons, this variant has been classified as Pathogenic.

Literature cited by the submitters: PubMed 24369075 (cited by Labcorp Genetics (formerly Invitae), Labcorp); PubMed 24679846 (cited by Labcorp Genetics (formerly Invitae), Labcorp).

NM_001556.3(IKBKB):c.1705G>T (p.Glu569Ter)

Gene: IKBKB (inhibitor of nuclear factor kappa B kinase subunit beta; plus strand). Cytogenetic location: 8p11.21.
Variant type: single nucleotide variant.
Coding change: c.1705G>T on transcript NM_001556.3 (MANE Select); coding-DNA position 1705, G replaced by T.
Protein change: p.Glu569Ter; replaces glutamic acid 569 with a stop codon.
Molecular consequence: nonsense. On other transcripts: non-coding transcript variant (3).
Genome position (GRCh38, 1-based): chr8:42,321,912, G>T. VCF-style: chr8-42321912-G-T. GRCh37 (hg19) VCF-style: chr8-42179430-G-T.
Other names: c.1513G>T, p.Glu505Ter (NM_001190720.3); c.1528G>T, p.Glu510Ter (NM_001242778.2); c.1705G>T (NM_001556.2); short protein forms E569*, E510*, E505*.
Identifiers: ClinVar variation 1433844 (VCV001433844.7), dbSNP rs2130681529, ClinGen allele CA371091910.